The following is an entry in ClinVar:

ClinVar aggregate classification (germline): Conflicting classifications of pathogenicity. Review status: criteria provided, conflicting classifications (1 of 4 stars). 3 submissions from 3 submitters: Uncertain significance (1); Likely benign (2). Last evaluated 2025-09-25.

Conditions:
Ichthyosis linearis circumflexa. Identifiers: MedGen C0265962, MONDO:0043106, HP:0025810.
Inborn genetic diseases. Identifiers: MedGen C0950123, MeSH D030342.

Allele frequency attached by ClinVar (database versions not stated): gnomAD 0.00004 and 0.00005; gnomAD exomes 0.00004 and 0.00007; ExAC 0.00008; TOPMed 0.00009; 1000 Genomes Project 30x 0.00016; 1000 Genomes Project 0.00020.

Submissions (3):

Ambry Genetics
Classification: Likely benign for Inborn genetic diseases. Last evaluated: 2025-09-25. Review status: criteria provided, single submitter. Criteria: Ambry Variant Classification Scheme 2023. Collection method: clinical testing. Allele origin: germline.

Labcorp Genetics (formerly Invitae), Labcorp
Classification: Uncertain significance for Ichthyosis linearis circumflexa. Last evaluated: 2024-12-02. Review status: criteria provided, single submitter. Criteria: Invitae Variant Classification Sherloc (09022015). Collection method: clinical testing. Allele origin: germline.
Comment: This sequence change replaces glycine, which is neutral and non-polar, with arginine, which is basic and polar, at codon 140 of the SPINK5 protein (p.Gly140Arg). This variant is present in population databases (rs573158320, gnomAD 0.05%). This variant has not been reported in the literature in individuals affected with SPINK5-related conditions. ClinVar contains an entry for this variant (Variation ID: 641660). An algorithm developed to predict the effect of missense changes on protein structure and function outputs the following: PolyPhen-2: "Benign". The arginine amino acid residue is found in multiple mammalian species, which suggests that this missense change does not adversely affect protein function. Algorithms developed to predict the effect of sequence changes on RNA splicing suggest that this variant may disrupt the consensus splice site. In summary, the available evidence is currently insufficient to determine the role of this variant in disease. Therefore, it has been classified as a Variant of Uncertain Significance.

Blueprint Genetics
Classification: Likely benign. Last evaluated: 2023-04-04. Review status: criteria provided, single submitter. Criteria: ACMG Guidelines, 2015. Collection method: clinical testing. Allele origin: germline.

NM_006846.4(SPINK5):c.418G>A (p.Gly140Arg)

Gene: SPINK5 (serine peptidase inhibitor Kazal type 5; plus strand). Cytogenetic location: 5q32.
Variant type: single nucleotide variant.
Coding change: c.418G>A on transcript NM_006846.4 (MANE Select); coding-DNA position 418, G replaced by A.
Protein change: p.Gly140Arg; replaces glycine 140 with arginine.
Molecular consequence: missense variant.
Genome position (GRCh38, 1-based): chr5:148,088,549, G>A. VCF-style: chr5-148088549-G-A. GRCh37 (hg19) VCF-style: chr5-147468112-G-A.
Other names: c.418G>A, p.Gly140Arg (NM_001127698.2, NM_001127699.2); short protein forms G140R.
Identifiers: ClinVar variation 641660 (VCV000641660.10), dbSNP rs573158320, ClinGen allele CA3495216.